The following continues an entry in ClinVar:

NM_000051.4(ATM):c.8156G>A (p.Arg2719His)

ClinVar aggregate classification (germline): Conflicting classifications of pathogenicity. Uncertain significance (25); Likely benign (3).

Submissions 10 to 31 of 31:

Molecular Diagnostics Laboratory, Catalan Institute of Oncology
Classification: Uncertain significance for Hereditary cancer-predisposing syndrome. Last evaluated: 2024-12-17. Review status: criteria provided, single submitter. Criteria: ClinGen ACMG Specifications ATM V1.1.0. Collection method: clinical testing. Allele origin: germline.
Comment: c.8156G>A, located in exon 56 of the ATM gene, is predicted to result in the substitution of Arginine by Histidine at codon 2719, p.(Arg2719His). The variant allele was found in 20/34198 alleles, with a filter allele frequency of 0.03% at 95% confidence, within the NFE population in the gnomAD v2.1.1 database (non-cancer data set). The SpliceAI algorithm predicts no significant impact on splicing and the REVEL meta-predictor score (0.46) for this variant is indeterminate regarding the effect that it may have on protein function. This variant has been reported in ClinVar (24x uncertain significance, 1x likely benign). Based on currently available information, the variant c.8156G>A is classified as an uncertain significance variant according to ClinGen-ATM Guidelines version 1.1.

CeGaT Center for Human Genetics Tuebingen
Classification: Uncertain significance. Last evaluated: 2024-10-01. Review status: criteria provided, single submitter. Criteria: CeGaT Center For Human Genetics Tuebingen Variant Classification Criteria Version 2. Collection method: clinical testing. Allele origin: germline. Affected: yes. Observed: 1 variant allele.

Blueprint Genetics
Classification: Uncertain significance. Last evaluated: 2024-09-25. Review status: criteria provided, single submitter. Criteria: ACMG Guidelines, 2015. Collection method: clinical testing. Allele origin: germline.

Myriad Genetics, Inc.
Classification: Likely benign for Familial cancer of breast. Last evaluated: 2024-06-18. Review status: criteria provided, single submitter. Criteria: Myriad Autosomal Dominant, Autosomal Recessive and X-Linked Classification Criteria (2023). Collection method: clinical testing. Allele origin: unknown.
Comment: This variant is considered likely benign. This variant is strongly associated with less severe personal and family histories of cancer, typical for individuals without pathogenic variants in this gene [PMID: 25085752].

Department of Pathology and Laboratory Medicine, Sinai Health System
Classification: Uncertain significance for ATM-related cancer predisposition. Last evaluated: 2024-05-22. Review status: criteria provided, single submitter. Criteria: ACMG Guidelines, 2015. Collection method: clinical testing. Allele origin: germline. Affected: yes.

Institute for Clinical Genetics, University Hospital TU Dresden, University Hospital TU Dresden
Classification: Uncertain significance. Last evaluated: 2023-05-17. Review status: criteria provided, single submitter. Criteria: ACMG Guidelines, 2015. Collection method: clinical testing. Allele origin: germline.

CHEO Genetics Diagnostic Laboratory, Children's Hospital of Eastern Ontario
Classification: Uncertain significance for Breast and/or ovarian cancer. Last evaluated: 2022-11-22. Review status: criteria provided, single submitter. Criteria: ACMG Guidelines, 2015. Collection method: clinical testing. Allele origin: germline.

Clinical Genetics Laboratory, Skane University Hospital Lund
Classification: Uncertain significance. Last evaluated: 2022-05-27. Review status: criteria provided, single submitter. Criteria: ACMG Guidelines, 2015. Collection method: clinical testing. Allele origin: germline. Affected: yes.

Sema4
Classification: Uncertain significance for Hereditary cancer-predisposing syndrome. Last evaluated: 2021-11-01. Review status: criteria provided, single submitter. Criteria: Sema4 Curation Guidelines. Collection method: curation. Allele origin: germline.
Comment: The ATM c.8156G>A (p.R2719H) variant has been reported in multiple individuals with a personal and/or family history of breast or ovarian cancer (PMID:18384426, 19781682, 21445571, 27153395, 25503501, 27067391, 28779002), and has also been reported in healthy controls (PMID:33471991, 30287823). It was observed in 20/34530 chromosomes of the Latino (AMR) subpopulation, with 1 homozygote, in the large and broad cohorts of the Genome Aggregation Database (PMID: 32461654). This variant has been reported in ClinVar (Variation ID:127456). Functional studies have not been performed, and in silico predictions of the variant's effect on protein function are inconclusive. The evidence is insufficient to meet ACMG/AMP criteria for classifying the variant as benign or pathogenic. Thus, the clinical significance of this variant is currently uncertain.

Revvity Omics, Revvity
Classification: Uncertain significance for Ataxia-telangiectasia syndrome. Last evaluated: 2021-09-07. Review status: criteria provided, single submitter. Criteria: ACMG Guidelines, 2015. Collection method: clinical testing. Allele origin: germline.

MGZ Medical Genetics Center
Classification: Uncertain significance for Familial cancer of breast. Last evaluated: 2021-09-02. Review status: criteria provided, single submitter. Criteria: ACMG Guidelines, 2015. Collection method: clinical testing. Allele origin: germline. Affected: yes. Observed: 1 variant allele.
Comment: ACMG criteria applied: PS4_MOD, PM2_SUP

Genome-Nilou Lab
Classification: Uncertain significance for Ataxia-telangiectasia syndrome. Last evaluated: 2021-07-14. Review status: criteria provided, single submitter. Criteria: ACMG Guidelines, 2015. Collection method: clinical testing. Allele origin: germline. Affected: no.

Genetic Services Laboratory, University of Chicago
Classification: Uncertain significance. Last evaluated: 2021-02-26. Review status: criteria provided, single submitter. Criteria: ACMG Guidelines, 2015. Collection method: clinical testing. Allele origin: germline. Affected: no.

Athena Diagnostics
Classification: Uncertain significance. Last evaluated: 2020-03-27. Review status: criteria provided, single submitter. Criteria: Athena Diagnostics Criteria. Collection method: clinical testing. Allele origin: unknown.

Division of Medical Genetics, University of Washington
Classification: Uncertain significance for Familial cancer of breast. Last evaluated: 2019-10-08. Review status: criteria provided, single submitter. Criteria: ACMG Guidelines, 2015. Collection method: clinical testing. Allele origin: germline. Affected: no. Study: CSER_CHARM.
Comment: This variant has been reported in the literature in individuals with breast cancer (Brunet 2008, Tavtigian 2009, Grana 2011). This variant has an overall allele frequency of 0.0001 in the Broad Institute gnomAD Browser. In silico analyses indicate this is an evolutionarily conserved residue. PP3

Fulgent Genetics
Classification: Uncertain significance for Familial cancer of breast; Ataxia-telangiectasia syndrome. Last evaluated: 2018-10-31. Review status: criteria provided, single submitter. Criteria: ACMG Guidelines, 2015. Collection method: clinical testing. Allele origin: unknown.

Mendelics
Classification: Uncertain significance for Ataxia-telangiectasia syndrome. Last evaluated: 2018-07-02. Review status: criteria provided, single submitter. Criteria: Mendelics Assertion Criteria 2017. Collection method: clinical testing. Allele origin: unknown.

Illumina Laboratory Services, Illumina
Classification: Uncertain significance for Ataxia-telangiectasia syndrome. Last evaluated: 2017-04-27. Review status: criteria provided, single submitter. Criteria: ICSL Variant Classification Criteria 13 December 2019. Collection method: clinical testing. Allele origin: germline.
Comment: This variant was observed as part of a predisposition screen in an ostensibly healthy population. A literature search was performed for the gene, cDNA change, and amino acid change (where applicable). Publications were found based on this search. However, the evidence from the literature, in combination with allele frequency data from public databases where available, was not sufficient to rule this variant in or out of causing disease. Therefore, this variant is classified as a variant of unknown significance.

Clinical Genetics DNA and cytogenetics Diagnostics Lab, Erasmus MC, Erasmus Medical Center
Classification: Uncertain significance for Ataxia-telangiectasia syndrome. Last evaluated: 2016-07-27. Review status: criteria provided, single submitter. Criteria: ACGS Guidelines, 2013. Collection method: clinical testing. Allele origin: germline. Affected: yes. Study: VKGL Data-share Consensus.

Natera, Inc.
Classification: Uncertain significance for Ataxia-telangiectasia. Last evaluated: 2020-09-16. Review status: no assertion criteria provided. Collection method: clinical testing. Allele origin: germline. Not counted in ClinVar's aggregate classification.

Diagnostic Laboratory, Department of Genetics, University Medical Center Groningen
Classification: Uncertain significance for Ataxia-telangiectasia syndrome. Review status: no assertion criteria provided. Collection method: clinical testing. Allele origin: germline. Affected: yes. Study: VKGL Data-share Consensus. Not counted in ClinVar's aggregate classification.

Joint Genome Diagnostic Labs from Nijmegen and Maastricht, Radboudumc and MUMC+
Classification: Uncertain significance. Review status: no assertion criteria provided. Collection method: clinical testing. Allele origin: germline. Affected: yes. Study: VKGL Data-share Consensus. Not counted in ClinVar's aggregate classification.

Literature cited by the submitters: PubMed 19781682 (cited by 6 submitters); PubMed 22529920 (cited by 3 submitters); PubMed 25186627 (cited by Women's Health and Genetics/Laboratory Corporation of America, LabCorp); PubMed 21445571 (cited by 5 submitters); PubMed 27067391 (cited by Women's Health and Genetics/Laboratory Corporation of America, LabCorp and Sema4); PubMed 27153395 (cited by 3 submitters); PubMed 18384426 (cited by 6 submitters); PubMed 28652578 (cited by Women's Health and Genetics/Laboratory Corporation of America, LabCorp); PubMed 30197789 (cited by Women's Health and Genetics/Laboratory Corporation of America, LabCorp); PubMed 40105422 (cited by Women's Health and Genetics/Laboratory Corporation of America, LabCorp); PubMed 33471991 (cited by 3 submitters); PubMed 35312250 (cited by Color Diagnostics, LLC DBA Color Health); PubMed 30287823 (cited by 4 submitters); PubMed 35264596 (cited by Ambry Genetics); PubMed 35980532 (cited by Ambry Genetics); PubMed 25085752 (cited by Myriad Genetics, Inc.); PubMed 25503501 (cited by Sema4); PubMed 28779002 (cited by Sema4).